The following is an entry in ClinVar:

NM_000218.3(KCNQ1):c.1514+5605G>A

Genes: KCNQ1 (potassium voltage-gated channel subfamily Q member 1; plus strand), KCNQ1OT1 (KCNQ1 opposite strand/antisense transcript 1; minus strand). Cytogenetic location: 11p15.5.
Variant type: single nucleotide variant.
Coding change: c.1514+5605G>A on transcript NM_000218.3 (MANE Select); 5605 bases into the intron after coding-DNA position 1514, G replaced by A.
Molecular consequence: intron variant. On other transcripts: non-coding transcript variant (1).
Genome position (GRCh38, 1-based): chr11:2,667,686, G>A. VCF-style: chr11-2667686-G-A. GRCh37 (hg19) VCF-style: chr11-2688916-G-A.
Other names: c.1244+5605G>A (NM_001406837.1); c.1418+5605G>A (NM_001406836.1); c.974+5605G>A (NM_001406838.1); c.1133+5605G>A (NM_181798.2).
Identifiers: ClinVar variation 3026393 (VCV003026393.22), dbSNP rs189071558, ClinGen allele CA216176038.

ClinVar aggregate classification (germline): Likely benign (1 of 4 stars; one submission).

Allele frequency attached by ClinVar (database versions not stated): gnomAD exomes 0.00062; gnomAD 0.00286; TOPMed 0.00286; 1000 Genomes Project 0.00359; 1000 Genomes Project 30x 0.00375.
gnomAD v4.1: 588 of 398,724 alleles (0.15%); highest among the groups gnomAD compares: African/African-American, 0.89%; 2 homozygotes.

Submission:

CeGaT Center for Human Genetics Tuebingen
Classification: Likely benign. Last evaluated: 2026-09-01. Review status: criteria provided, single submitter. Criteria: CeGaT Center For Human Genetics Tuebingen Variant Classification Criteria Version 2. Collection method: clinical testing. Allele origin: germline. Affected: yes. Observed: 8 variant alleles.
Comment: KCNQ1OT1: BS1